The following is an entry in ClinVar:

NM_004168.4(SDHA):c.1771G>A (p.Ala591Thr)

Gene: SDHA (succinate dehydrogenase complex flavoprotein subunit A; plus strand). Cytogenetic location: 5p15.33.
Variant type: single nucleotide variant.
Coding change: c.1771G>A on transcript NM_004168.4 (MANE Select); coding-DNA position 1771, G replaced by A.
Protein change: p.Ala591Thr; replaces alanine 591 with threonine.
Molecular consequence: missense variant. On other transcripts: intron variant (1).
Genome position (GRCh38, 1-based): chr5:251,445, G>A. VCF-style: chr5-251445-G-A. GRCh37 (hg19) VCF-style: chr5-251560-G-A.
Other names: c.1627G>A, p.Ala543Thr (NM_001294332.2); c.1552-2948G>A (NM_001330758.2); short protein forms A591T, A543T.
Identifiers: ClinVar variation 412370 (VCV000412370.19), dbSNP rs1042170, ClinGen allele CA3173352.

ClinVar aggregate classification (germline): Uncertain significance. Review status: criteria provided, multiple submitters, no conflicts (2 of 4 stars). 6 submissions from 6 submitters: Uncertain significance (6). Last evaluated 2026-01-27.

Conditions:
Dilated cardiomyopathy 1GG (CMD1GG). Identifiers: Orphanet 154, MedGen C3150898, MONDO:0013339, OMIM 613642.
Neurodegeneration with ataxia and late-onset optic atrophy. Identifiers: MedGen C5543254, MONDO:0031006, OMIM 619259.
Mitochondrial complex II deficiency, nuclear type 1. Also called: SUCCINATE CoQ REDUCTASE DEFICIENCY. Identifiers: Orphanet 3208, MedGen C5700310, MONDO:0100294, OMIM 252011.
Pheochromocytoma/paraganglioma syndrome 5. Also called: SDHA-Related Hereditary Paraganglioma-Pheochromocytoma Syndrome; Paragangliomas 5. Identifiers: Orphanet 29072, MedGen C3279992, MONDO:0013602, OMIM 614165.
Hereditary cancer-predisposing syndrome. Also called: Neoplastic Syndromes, Hereditary; Hereditary Cancer Syndrome; Tumor predisposition; Hereditary neoplastic syndrome. Identifiers: Orphanet 140162, MedGen C0027672, MeSH D009386, MONDO:0015356.

Allele frequency attached by ClinVar (database versions not stated): gnomAD 0.00004 and 0.00005; gnomAD exomes 0.00005 and 0.00008; TOPMed 0.00005; ExAC 0.00006.
gnomAD v4.1: 117 of 1,613,856 alleles (0.0072%); highest among the groups gnomAD compares: South Asian, 0.035%; no homozygotes.

Submissions (6):

Labcorp Genetics (formerly Invitae), Labcorp
Classification: Uncertain significance for Pheochromocytoma/paraganglioma syndrome 5; Mitochondrial complex II deficiency, nuclear type 1. Last evaluated: 2026-01-27. Review status: criteria provided, single submitter. Criteria: Invitae Variant Classification Sherloc (09022015). Collection method: clinical testing. Allele origin: germline.
Comment: This sequence change replaces alanine, which is neutral and non-polar, with threonine, which is neutral and polar, at codon 591 of the SDHA protein (p.Ala591Thr). This variant is present in population databases (rs1042170, gnomAD 0.02%). This variant has not been reported in the literature in individuals affected with SDHA-related conditions. ClinVar contains an entry for this variant (Variation ID: 412370). Invitae Evidence Modeling of protein sequence and biophysical properties (such as structural, functional, and spatial information, amino acid conservation, physicochemical variation, residue mobility, and thermodynamic stability) has been performed for this missense variant. However, the output from this modeling did not meet the statistical confidence thresholds required to predict the impact of this variant on SDHA protein function. In summary, the available evidence is currently insufficient to determine the role of this variant in disease. Therefore, it has been classified as a Variant of Uncertain Significance.

Quest Diagnostics Nichols Institute San Juan Capistrano
Classification: Uncertain significance. Last evaluated: 2025-05-09. Review status: criteria provided, single submitter. Criteria: Quest Diagnostics criteria. Collection method: clinical testing. Allele origin: unknown.
Comment: The SDHA c.1771G>A (p.Ala591Thr) variant has been reported in the published literature in an individual with paraganglioma/pheochromocytoma syndrome type 1 (PGL1); however, this individual also carried an SDHD splice variant (PMID: 33715142 (2021)). The frequency of this variant in the general population (Genome Aggregation Database) is uninformative in the assessment of its pathogenicity. Analysis of this variant using bioinformatics tools for the prediction of the effect of amino acid changes on protein structure and function yielded predictions that this variant is damaging. Based on the available information, we are unable to determine the clinical significance of this variant.

Ambry Genetics
Classification: Uncertain significance for Hereditary cancer-predisposing syndrome. Last evaluated: 2025-03-02. Review status: criteria provided, single submitter. Criteria: Ambry Variant Classification Scheme 2023. Collection method: clinical testing. Allele origin: germline.
Comment: The p.A591T variant (also known as c.1771G>A), located in coding exon 13 of the SDHA gene, results from a G to A substitution at nucleotide position 1771. The alanine at codon 591 is replaced by threonine, an amino acid with similar properties. This alteration was identified in an individual diagnosed with a paraganglioma and/or pheochromocytoma however they were also identified to carry an SDHD alteration (Meijs AC et al. J Endocrinol Invest, 2021 Oct;44:2253-2259). This amino acid position is highly conserved in available vertebrate species. In addition, this alteration is predicted to be deleterious by in silico analysis. Since supporting evidence is limited at this time, the clinical significance of this alteration remains unclear.

Fulgent Genetics
Classification: Uncertain significance for Mitochondrial complex II deficiency, nuclear type 1; Dilated cardiomyopathy 1GG; Pheochromocytoma/paraganglioma syndrome 5; Neurodegeneration with ataxia and late-onset optic atrophy. Last evaluated: 2024-03-27. Review status: criteria provided, single submitter. Criteria: ACMG Guidelines, 2015. Collection method: clinical testing. Allele origin: germline.

Baylor Genetics
Classification: Uncertain significance for Dilated cardiomyopathy 1GG. Last evaluated: 2023-09-26. Review status: criteria provided, single submitter. Criteria: ACMG Guidelines, 2015. Collection method: clinical testing. Allele origin: unknown.

GeneDx
Classification: Uncertain significance. Last evaluated: 2023-04-28. Review status: criteria provided, single submitter. Criteria: GeneDx Variant Classification Process June 2021. Collection method: clinical testing. Allele origin: germline. Affected: yes.
Comment: In silico analysis supports that this missense variant has a deleterious effect on protein structure/function; Identified in an individual with multiple paraganglioma who also carried a splice variant in the SDHD gene (PMID: 33715142); This variant is associated with the following publications: (PMID: 33715142)

Literature cited by the submitters: PubMed 33715142 (cited by Quest Diagnostics Nichols Institute San Juan Capistrano and Ambry Genetics).